The following is an entry in ClinVar:

ClinVar aggregate classification (germline): Benign/Likely benign. Review status: criteria provided, multiple submitters, no conflicts (2 of 4 stars). 10 submissions from 10 submitters: Benign (3); Likely benign (6). 1 of the submissions does not count toward it. Last evaluated 2025-12-22.

Conditions:
Hereditary cancer-predisposing syndrome. Also called: Hereditary neoplastic syndrome; Neoplastic Syndromes, Hereditary; Hereditary Cancer Syndrome; Tumor predisposition. Identifiers: Orphanet 140162, MedGen C0027672, MeSH D009386, MONDO:0015356.
Tuberous sclerosis syndrome (TSC). Also called: Tuberous Sclerosis Complex; Tuberous sclerosis. Identifiers: Orphanet 805, MedGen C0041341, MONDO:0001734.
Tuberous sclerosis 2 (TSC2). Identifiers: Orphanet 805, MedGen C1860707, MONDO:0013199, OMIM 613254.
TSC2-related disorder. Also called: TSC2-related condition; TSC2-Related Disorders.

Allele frequency attached by ClinVar (database versions not stated): gnomAD exomes 0.00002 and 0.00003; TOPMed 0.00002; ExAC 0.00003; gnomAD 0.00003.
gnomAD v4.1: 42 of 1,612,096 alleles (0.0026%); highest among the groups gnomAD compares: South Asian, 0.0055%; no homozygotes.

Submissions (10):

Labcorp Genetics (formerly Invitae), Labcorp
Classification: Benign for Tuberous sclerosis 2. Last evaluated: 2025-12-22. Review status: criteria provided, single submitter. Criteria: Invitae Variant Classification Sherloc (09022015). Collection method: clinical testing. Allele origin: germline.

Myriad Genetics, Inc.
Classification: Benign for Tuberous sclerosis 2. Last evaluated: 2025-05-29. Review status: criteria provided, single submitter. Criteria: Myriad Autosomal Dominant, Autosomal Recessive and X-Linked Classification Criteria (2023). Collection method: clinical testing. Allele origin: unknown.
Comment: This variant is considered benign. This variant is a silent/synonymous amino acid change and it is not expected to impact splicing.

All of Us Research Program, National Institutes of Health
Classification: Likely benign for Tuberous sclerosis syndrome. Last evaluated: 2023-12-13. Review status: criteria provided, single submitter. Criteria: ACMG Guidelines, 2015. Collection method: clinical testing. Allele origin: germline. Inheritance: Autosomal dominant inheritance. Observed: 3 variant alleles, 3 heterozygotes.
Comment: This study involves interpretation of variants in research participants for the purpose of population health screening. Participant phenotype was not available at the time of variant classification. Additional details can be found in publication PMID: 35346344, PMCID: PMC8962531

Blueprint Genetics
Classification: Likely benign. Last evaluated: 2022-12-01. Review status: criteria provided, single submitter. Criteria: ACMG Guidelines, 2015. Collection method: clinical testing. Allele origin: germline.

Color Diagnostics, LLC DBA Color Health
Classification: Likely benign for Tuberous sclerosis syndrome. Last evaluated: 2022-10-02. Review status: criteria provided, single submitter. Criteria: ACMG Guidelines, 2015. Collection method: clinical testing. Allele origin: germline.

Genome-Nilou Lab
Classification: Benign for Tuberous sclerosis 2. Last evaluated: 2021-11-07. Review status: criteria provided, single submitter. Criteria: ACMG Guidelines, 2015. Collection method: clinical testing. Allele origin: germline. Affected: no.

Sema4
Classification: Likely benign for Hereditary cancer-predisposing syndrome. Last evaluated: 2021-01-01. Review status: criteria provided, single submitter. Criteria: Sema4 Curation Guidelines. Collection method: curation. Allele origin: germline.

Ambry Genetics
Classification: Likely benign for Hereditary cancer-predisposing syndrome. Last evaluated: 2020-02-27. Review status: criteria provided, single submitter. Criteria: Ambry Variant Classification Scheme 2023. Collection method: clinical testing. Allele origin: germline.

GeneDx
Classification: Likely benign. Last evaluated: 2018-06-19. Review status: criteria provided, single submitter. Criteria: GeneDx Variant Classification (06012015). Collection method: clinical testing. Allele origin: germline. Affected: yes.
Comment: This variant is considered likely benign or benign based on one or more of the following criteria: it is a conservative change, it occurs at a poorly conserved position in the protein, it is predicted to be benign by multiple in silico algorithms, and/or has population frequency not consistent with disease.

PreventionGenetics, part of Exact Sciences
Classification: Likely benign for TSC2-related condition. Last evaluated: 2024-06-25. Review status: no assertion criteria provided. Collection method: clinical testing. Allele origin: germline. Not counted in ClinVar's aggregate classification.
Comment: This variant is classified as likely benign based on ACMG/AMP sequence variant interpretation guidelines (Richards et al. 2015 PMID: 25741868, with internal and published modifications).

NM_000548.5(TSC2):c.3585G>A (p.Ala1195=)

Gene: TSC2 (TSC complex subunit 2; plus strand). Cytogenetic location: 16p13.3.
Variant type: single nucleotide variant.
Coding change: c.3585G>A on transcript NM_000548.5 (MANE Select); coding-DNA position 3585, G replaced by A.
Protein change: p.Ala1195=; no amino-acid change (alanine 1195 retained).
Molecular consequence: synonymous variant.
Genome position (GRCh38, 1-based): chr16:2,080,352, G>A. VCF-style: chr16-2080352-G-A. GRCh37 (hg19) VCF-style: chr16-2130353-G-A.
Other names: c.3585G>A (NM_000548.4); c.3453G>A, p.Ala1151= (NM_001077183.3, NM_001370404.1); c.3585G>A, p.Ala1195= (NM_001114382.3); c.3345G>A, p.Ala1115= (NM_001318827.2); c.3309G>A, p.Ala1103= (NM_001318829.2); c.2853G>A, p.Ala951= (NM_001318831.2); c.3486G>A, p.Ala1162= (NM_001318832.2); c.3456G>A, p.Ala1152= (NM_001363528.2, NM_001370405.1, NM_021055.3).
Identifiers: ClinVar variation 468025 (VCV000468025.21), dbSNP rs761232933, ClinGen allele CA047511.